The following is an entry in ClinVar:

NM_152732.5(RSPH9):c.124G>C (p.Asp42His)

Gene: RSPH9 (radial spoke head component 9; plus strand). Cytogenetic location: 6p21.1.
Variant type: single nucleotide variant.
Coding change: c.124G>C on transcript NM_152732.5 (MANE Select); coding-DNA position 124, G replaced by C.
Protein change: p.Asp42His; replaces aspartic acid 42 with histidine.
Molecular consequence: missense variant. On other transcripts: non-coding transcript variant (2).
Genome position (GRCh38, 1-based): chr6:43,645,222, G>C. VCF-style: chr6-43645222-G-C. GRCh37 (hg19) VCF-style: chr6-43612959-G-C.
Other names: c.124G>C, p.Asp42His (NM_001193341.2, NM_001424119.1, NM_001424120.1 and 1 more transcripts); short protein forms D42H.
Identifiers: ClinVar variation 2113079 (VCV002113079.4), dbSNP rs1197738235, ClinGen allele CA364287257.

ClinVar aggregate classification (germline): Uncertain significance (1 of 4 stars; one submission).

Conditions:
Primary ciliary dyskinesia. Also called: Ciliary dyskinesia. Identifiers: Orphanet 244, MedGen C0008780, MONDO:0016575, HP:0012265.

Submission:

Labcorp Genetics (formerly Invitae), Labcorp
Classification: Uncertain significance for Primary ciliary dyskinesia. Last evaluated: 2022-06-22. Review status: criteria provided, single submitter. Criteria: Invitae Variant Classification Sherloc (09022015). Collection method: clinical testing. Allele origin: germline.
Comment: In summary, the available evidence is currently insufficient to determine the role of this variant in disease. Therefore, it has been classified as a Variant of Uncertain Significance. Algorithms developed to predict the effect of missense changes on protein structure and function (SIFT, PolyPhen-2, Align-GVGD) all suggest that this variant is likely to be tolerated. This variant has not been reported in the literature in individuals affected with RSPH9-related conditions. This variant is not present in population databases (gnomAD no frequency). This sequence change replaces aspartic acid, which is acidic and polar, with histidine, which is basic and polar, at codon 42 of the RSPH9 protein (p.Asp42His).